The following is an entry in ClinVar:

NM_001371623.1(TCOF1):c.1133C>T (p.Ala378Val)

Gene: TCOF1 (treacle ribosome biogenesis factor 1; plus strand). Cytogenetic location: 5q32.
Variant type: single nucleotide variant.
Coding change: c.1133C>T on transcript NM_001371623.1 (MANE Select); coding-DNA position 1133, C replaced by T.
Protein change: p.Ala378Val; replaces alanine 378 with valine.
Molecular consequence: missense variant.
Genome position (GRCh38, 1-based): chr5:150,374,666, C>T. VCF-style: chr5-150374666-C-T. GRCh37 (hg19) VCF-style: chr5-149754229-C-T.
Other names: c.902C>T, p.Ala301Val (NM_000356.4, NM_001135245.2); c.1133C>T, p.Ala378Val (NM_001008657.3, NM_001135243.2, NM_001135244.2 and 1 more transcripts); short protein forms A301V, A378V.
Identifiers: ClinVar variation 352202 (VCV000352202.11), dbSNP rs75181211, ClinGen allele CA3510771.

ClinVar aggregate classification (germline): Benign. Review status: criteria provided, multiple submitters, no conflicts (2 of 4 stars). 2 submissions from 2 submitters: Benign (2). Last evaluated 2026-01-27.

Conditions:
Treacher Collins syndrome 1 (TCS1). Also called: TCOF1-Related Treacher Collins Syndrome. Identifiers: Orphanet 861, MedGen CN315775, MONDO:0007944, OMIM 154500.

Allele frequency attached by ClinVar (database versions not stated): ExAC 0.00350; gnomAD 0.01088 and 0.01172; ESP Exome Variant Server 0.01208; TOPMed 0.01226; 1000 Genomes Project 0.01278; 1000 Genomes Project 30x 0.01327.
gnomAD v4.1: 3,207 of 1,613,948 alleles (0.2%); highest among the groups gnomAD compares: African/African-American, 3.7%; 70 homozygotes.

Submissions (2):

Labcorp Genetics (formerly Invitae), Labcorp
Classification: Benign for Treacher Collins syndrome 1. Last evaluated: 2026-01-27. Review status: criteria provided, single submitter. Criteria: Invitae Variant Classification Sherloc (09022015). Collection method: clinical testing. Allele origin: germline.

GeneDx
Classification: Benign. Last evaluated: 2017-09-14. Review status: criteria provided, single submitter. Criteria: GeneDx Variant Classification (06012015). Collection method: clinical testing. Allele origin: germline. Affected: yes.
Comment: This variant is considered likely benign or benign based on one or more of the following criteria: it is a conservative change, it occurs at a poorly conserved position in the protein, it is predicted to be benign by multiple in silico algorithms, and/or has population frequency not consistent with disease.